The following is an entry in ClinVar:

ClinVar aggregate classification (germline): Uncertain significance. Review status: criteria provided, multiple submitters, no conflicts (2 of 4 stars). 2 submissions from 2 submitters: Uncertain significance (2). Last evaluated 2026-08-25.

Conditions:
JAG1-related disorder. Also called: JAG1-related disorders; JAG1-related condition.
Alagille syndrome due to a JAG1 point mutation. Also called: JAG1-Related Alagille Syndrome; Alagille Syndrome 1; HEPATIC DUCTULAR HYPOPLASIA, SYNDROMATIC. Identifiers: Orphanet 261619, Orphanet 52, MedGen C1956125, MONDO:0016862, OMIM 118450.

Allele frequency attached by ClinVar (database versions not stated): gnomAD 0.00001.
gnomAD v4.1: 2 of 1,613,878 alleles (0.00012%); highest among the groups gnomAD compares: South Asian, 0.0011%; no homozygotes.

Submissions (2):

PreventionGenetics, part of Exact Sciences
Classification: Uncertain significance for JAG1-related condition. Last evaluated: 2026-08-25. Review status: criteria provided, single submitter. Criteria: ACMG Guidelines, 2015. Collection method: clinical testing. Allele origin: germline.
Comment: The JAG1 c.3377T>C variant is predicted to result in the amino acid substitution p.Ile1126Thr. To our knowledge, this variant has not been reported in the literature or in a large population database (gnomAD), indicating this variant is rare. At this time, the clinical significance of this variant is uncertain due to the absence of conclusive functional and genetic evidence.

Labcorp Genetics (formerly Invitae), Labcorp
Classification: Uncertain significance for Alagille syndrome due to a JAG1 point mutation. Last evaluated: 2023-07-17. Review status: criteria provided, single submitter. Criteria: Invitae Variant Classification Sherloc (09022015). Collection method: clinical testing. Allele origin: germline.
Comment: This sequence change replaces isoleucine, which is neutral and non-polar, with threonine, which is neutral and polar, at codon 1126 of the JAG1 protein (p.Ile1126Thr). In summary, the available evidence is currently insufficient to determine the role of this variant in disease. Therefore, it has been classified as a Variant of Uncertain Significance. Advanced modeling of protein sequence and biophysical properties (such as structural, functional, and spatial information, amino acid conservation, physicochemical variation, residue mobility, and thermodynamic stability) has been performed at Invitae for this missense variant, however the output from this modeling did not meet the statistical confidence thresholds required to predict the impact of this variant on JAG1 protein function. This variant has not been reported in the literature in individuals affected with JAG1-related conditions. This variant is not present in population databases (gnomAD no frequency).

NM_000214.3(JAG1):c.3377T>C (p.Ile1126Thr)

Gene: JAG1 (jagged canonical Notch ligand 1; minus strand). Cytogenetic location: 20p12.2.
Variant type: single nucleotide variant.
Coding change: c.3377T>C on transcript NM_000214.3 (MANE Select); coding-DNA position 3377, T replaced by C.
Protein change: p.Ile1126Thr; replaces isoleucine 1126 with threonine.
Molecular consequence: missense variant.
Genome position (GRCh38, 1-based): chr20:10,639,778, A>G on the plus strand (T>C on the coding strand, the complement: JAG1 is on the minus strand). VCF-style: chr20-10639778-A-G. GRCh37 (hg19) VCF-style: chr20-10620426-A-G.
Other names: c.3377T>C (NM_000214.2); short protein forms I1126T.
Identifiers: ClinVar variation 2722880 (VCV002722880.4), dbSNP rs2067257283, ClinGen allele CA408243177.